The following is an entry in ClinVar:

NM_020774.4(MIB1):c.934A>C (p.Thr312Pro)

Gene: MIB1 (MIB E3 ubiquitin protein ligase 1; plus strand). Cytogenetic location: 18q11.2.
Variant type: single nucleotide variant.
Coding change: c.934A>C on transcript NM_020774.4 (MANE Select); coding-DNA position 934, A replaced by C.
Protein change: p.Thr312Pro; replaces threonine 312 with proline.
Molecular consequence: missense variant.
Genome position (GRCh38, 1-based): chr18:21,791,399, A>C. VCF-style: chr18-21791399-A-C. GRCh37 (hg19) VCF-style: chr18-19371360-A-C.
Other names: short protein forms T312P.
Identifiers: ClinVar variation 3294709 (VCV003294709.1).
Genomic context (GRCh38, chr18:21,791,399, plus strand): 5'-GCTACCCATTTTGAGGTTTAGCTTTGCTCTTGTAGGTGGACCTTCAATCCTGCTGTTCTC[A>C]CTAAAGCGAACATTGTCCGAAGTGGAGATGCTGCTCAGGGTGCAGAAGGAGGCACCTCGC-3'
Protein context (NP_065825.1, residues 302-322): NRWTFNPAVL[Thr312Pro]KANIVRSGDA

ClinVar aggregate classification (germline): Uncertain significance (1 of 4 stars; one submission).

Conditions:
Inborn genetic diseases. Identifiers: MedGen C0950123, MeSH D030342.

Submission:

Ambry Genetics
Classification: Uncertain significance for Inborn genetic diseases. Last evaluated: 2024-06-07. Review status: criteria provided, single submitter. Criteria: Ambry Variant Classification Scheme 2023. Collection method: clinical testing. Allele origin: germline.
Comment: The p.T312P variant (also known as c.934A>C), located in coding exon 7 of the MIB1 gene, results from an A to C substitution at nucleotide position 934. The threonine at codon 312 is replaced by proline, an amino acid with highly similar properties. This amino acid position is conserved. In addition, this alteration is predicted to be deleterious by in silico analysis. Based on the available evidence, the clinical significance of this variant remains unclear.